The following is an entry in ClinVar:

ClinVar aggregate classification (germline): Benign (1 of 4 stars; one submission).

Conditions:
Primary ciliary dyskinesia 14. Also called: CILIARY DYSKINESIA, PRIMARY, 14, WITH OR WITHOUT SITUS INVERSUS. Identifiers: Orphanet 244, MedGen C3151136, MONDO:0013434, OMIM 613807.

Allele frequency attached by ClinVar (database versions not stated): gnomAD 0.03058 and 0.03081; TOPMed 0.02757; 1000 Genomes Project 0.01837; gnomAD exomes 0.02830; 1000 Genomes Project 30x 0.01905.
gnomAD v4.1: 3,641 of 115,470 alleles (3.2%); highest among the groups gnomAD compares: Middle Eastern, 11%; 74 homozygotes.

Submission:

Illumina Laboratory Services, Illumina
Classification: Benign for Primary ciliary dyskinesia 14. Last evaluated: 2018-01-12. Review status: criteria provided, single submitter. Criteria: ICSL Variant Classification Criteria 13 December 2019. Collection method: clinical testing. Allele origin: germline.
Comment: This variant was observed in the ICSL laboratory as part of a predisposition screen in an ostensibly healthy population. It had not been previously curated by ICSL or reported in the Human Gene Mutation Database (HGMD: prior to June 1st, 2018), and was therefore a candidate for classification through an automated scoring system. Utilizing variant allele frequency, disease prevalence and penetrance estimates, and inheritance mode, an automated score was calculated to assess if this variant is too frequent to cause the disease. Based on the score and internal cut-off values, a variant classified as benign is not then subjected to further curation. The score for this variant resulted in a classification of benign for this disease.

NM_181426.2(CCDC39):c.*575T>C

Genes: CCDC39 (coiled-coil domain 39 molecular ruler complex subunit; minus strand), TTC14 (tetratricopeptide repeat domain 14; plus strand). Cytogenetic location: 3q26.33.
Variant type: single nucleotide variant.
Coding change: c.*575T>C on transcript NM_181426.2 (MANE Select); 575 bases downstream of the stop codon, T replaced by C.
Molecular consequence: 3 prime UTR variant. On other transcripts: intron variant (1).
Genome position (GRCh38, 1-based): chr3:180,614,346, A>G on the plus strand (T>C on the coding strand, the complement: CCDC39 is on the minus strand). VCF-style: chr3-180614346-A-G. GRCh37 (hg19) VCF-style: chr3-180332134-A-G.
Other names: c.1775-3034A>G (NM_001288582.2).
Identifiers: ClinVar variation 344240 (VCV000344240.7), dbSNP rs79349285, ClinGen allele CA10615845.